The following is an entry in ClinVar:

NM_001005242.3(PKP2):c.76G>A (p.Asp26Asn)

Gene: PKP2 (plakophilin 2; minus strand). Cytogenetic location: 12p11.21.
Variant type: single nucleotide variant.
Coding change: c.76G>A on transcript NM_001005242.3 (MANE Select); coding-DNA position 76, G replaced by A.
Protein change: p.Asp26Asn; replaces aspartic acid 26 with asparagine.
Molecular consequence: missense variant.
Genome position (GRCh38, 1-based): chr12:32,896,656, C>T on the plus strand (G>A on the coding strand, the complement: PKP2 is on the minus strand). VCF-style: chr12-32896656-C-T. GRCh37 (hg19) VCF-style: chr12-33049590-C-T.
Other names: p.D26N:GAC>AAC; c.76G>A, p.Asp26Asn (NM_004572.4); short protein forms D26N.
Identifiers: ClinVar variation 45084 (VCV000045084.80), dbSNP rs143004808, ClinGen allele CA010689.

ClinVar aggregate classification (germline): Benign/Likely benign. Review status: criteria provided, multiple submitters, no conflicts (2 of 4 stars). 27 submissions from 27 submitters: Benign (15); Likely benign (7). 5 of the submissions do not count toward it. Last evaluated 2026-09-01.

Conditions:
Cardiovascular phenotype. Identifiers: MedGen CN230736.
Cardiomyopathy (CMYO). Also called: Cardiomyopathies. Identifiers: Orphanet 167848, MedGen C0878544, MONDO:0004994, HP:0001638. Inheritance: Various modes of inheritance.
Hypertrophic cardiomyopathy. Also called: HYPERTROPHIC MYOCARDIOPATHY. Identifiers: Orphanet 217569, MedGen C0007194, MeSH D002312, MONDO:0005045, HP:0001639.
Arrhythmogenic right ventricular cardiomyopathy (ARVD). Also called: Arrhythmogenic cardiomyopathy; Arrhythmogenic Right Ventricular Cardiomyopathy (ARVC); Cardiomyopathy, ARVC; Arrhythmogenic right ventricular dysplasia. Identifiers: Orphanet 247, MedGen C0349788, MeSH D019571, MONDO:0016587. Disease mechanism: loss of function. Inheritance: Various modes of inheritance.
Arrhythmogenic right ventricular dysplasia 9 (ARVD9). Also called: Arrhythmogenic Right Ventricular Dysplasia/Cardiomyopathy 9; ARRHYTHMOGENIC RIGHT VENTRICULAR DYSPLASIA, FAMILIAL, 9. Identifiers: MedGen C1836906, MONDO:0012180, OMIM 609040.

Allele frequency attached by ClinVar (database versions not stated): 1000 Genomes Project 0.00300; gnomAD 0.00716 and 0.00703; TOPMed 0.00752; ExAC 0.01400; 1000 Genomes Project 30x 0.00312; ESP Exome Variant Server 0.00486; gnomAD exomes 0.00846.
gnomAD v4.1: 14,387 of 1,563,166 alleles (0.92%); highest among the groups gnomAD compares: Middle Eastern, 1.7%; 110 homozygotes.

Submissions (27):

CeGaT Center for Human Genetics Tuebingen
Classification: Benign. Last evaluated: 2026-09-01. Review status: criteria provided, single submitter. Criteria: CeGaT Center For Human Genetics Tuebingen Variant Classification Criteria Version 2. Collection method: clinical testing. Allele origin: germline. Affected: yes. Observed: 138 variant alleles.
Comment: PKP2: BS1, BS2

Labcorp Genetics (formerly Invitae), Labcorp
Classification: Benign for Arrhythmogenic right ventricular dysplasia 9. Last evaluated: 2026-02-03. Review status: criteria provided, single submitter. Criteria: Invitae Variant Classification Sherloc (09022015). Collection method: clinical testing. Allele origin: germline.

ARUP Laboratories, Molecular Genetics and Genomics, ARUP Laboratories
Classification: Benign for Arrhythmogenic right ventricular dysplasia 9. Last evaluated: 2025-05-28. Review status: criteria provided, single submitter. Criteria: ARUP Molecular Germline Variant Investigation Process 2024. Collection method: clinical testing. Allele origin: germline.

Molecular Diagnostic Laboratory for Inherited Cardiovascular Disease, Montreal Heart Institute
Classification: Benign. Last evaluated: 2025-04-08. Review status: criteria provided, single submitter. Criteria: ACMG Guidelines, 2015. Collection method: clinical testing. Allele origin: germline. Affected: no.

Blueprint Genetics
Classification: Likely benign. Last evaluated: 2024-11-27. Review status: criteria provided, single submitter. Criteria: ACMG Guidelines, 2015. Collection method: clinical testing. Allele origin: germline.

Center for Advanced Laboratory Medicine, UC San Diego Health, University of California San Diego
Classification: Benign for Cardiomyopathy; Hypertrophic cardiomyopathy. Last evaluated: 2019-05-28. Review status: criteria provided, single submitter. Criteria: ACMG Guidelines, 2015. Collection method: clinical testing. Allele origin: germline. Affected: yes. Observed: 4 variant alleles.

Mendelics
Classification: Benign for Arrhythmogenic right ventricular dysplasia 9. Last evaluated: 2019-05-28. Review status: criteria provided, single submitter. Criteria: Mendelics Assertion Criteria 2017. Collection method: clinical testing. Allele origin: unknown.

GeneDx
Classification: Benign. Last evaluated: 2018-12-11. Review status: criteria provided, single submitter. Criteria: GeneDx Variant Classification Process June 2021. Collection method: clinical testing. Allele origin: germline. Affected: yes.
Comment: This variant is associated with the following publications: (PMID: 24055113, 19955750, 25637381, 27153395, 16567567, 24352520, 19597050, 23299917, 20400443, 20829228, 27884173, 26656175, 26332594)

Color Diagnostics, LLC DBA Color Health
Classification: Benign for Cardiomyopathy. Last evaluated: 2018-03-13. Review status: criteria provided, single submitter. Criteria: ACMG Guidelines, 2015. Collection method: clinical testing. Allele origin: germline.

Illumina Laboratory Services, Illumina
Classification: Likely benign for Arrhythmogenic right ventricular dysplasia 9. Last evaluated: 2018-03-06. Review status: criteria provided, single submitter. Criteria: ICSL Variant Classification Criteria 13 December 2019. Collection method: clinical testing. Allele origin: germline.
Comment: This variant was observed in the ICSL laboratory as part of a predisposition screen in an ostensibly healthy population. It had not been previously curated by ICSL or reported in the Human Gene Mutation Database (HGMD: prior to June 1st, 2018), and was therefore a candidate for classification through an automated scoring system. Utilizing variant allele frequency, disease prevalence and penetrance estimates, and inheritance mode, an automated score was calculated to assess if this variant is too frequent to cause the disease. Based on the score and internal cut-off values, a variant classified as likely benign is not then subjected to further curation. The score for this variant resulted in a classification of likely benign for this disease.

Mayo Clinic Laboratories, Mayo Clinic
Classification: Benign. Last evaluated: 2017-02-28. Review status: criteria provided, single submitter. Criteria: ACMG Guidelines, 2015. Collection method: clinical testing. Allele origin: germline. Observed: 20 variant alleles.

Center for Pediatric Genomic Medicine, Children's Mercy Hospital and Clinics
Classification: Likely benign. Last evaluated: 2016-07-22. Review status: criteria provided, single submitter. Criteria: ACMG Guidelines, 2015. Collection method: clinical testing. Allele origin: germline.
ClinVar note: Converted during submission from Likely Benign to Likely benign.

Genome Diagnostics Laboratory, University Medical Center Utrecht
Classification: Benign for Arrhythmogenic right ventricular dysplasia 9. Last evaluated: 2015-12-18. Review status: criteria provided, single submitter. Criteria: ACGS Guidelines, 2013. Collection method: clinical testing. Allele origin: germline. Affected: yes. Study: VKGL Data-share Consensus.

Clinical Genetics DNA and cytogenetics Diagnostics Lab, Erasmus MC, Erasmus Medical Center
Classification: Benign for Arrhythmogenic right ventricular dysplasia 9. Last evaluated: 2015-09-21. Review status: criteria provided, single submitter. Criteria: ACGS Guidelines, 2013. Collection method: clinical testing. Allele origin: germline. Affected: yes. Study: VKGL Data-share Consensus.

Genomic Diagnostic Laboratory, Division of Genomic Diagnostics, Children's Hospital of Philadelphia
Classification: Likely benign. Last evaluated: 2015-07-10. Review status: criteria provided, single submitter. Criteria: DGD Variant Analysis Guidelines. Collection method: clinical testing. Allele origin: unknown.

Ambry Genetics
Classification: Benign for Cardiovascular phenotype. Last evaluated: 2015-06-11. Review status: criteria provided, single submitter. Criteria: Ambry Variant Classification Scheme 2023. Collection method: clinical testing. Allele origin: germline.

Laboratory for Molecular Medicine, Mass General Brigham Personalized Medicine
Classification: Benign. Last evaluated: 2015-03-18. Review status: criteria provided, single submitter. Criteria: LMM Criteria. Collection method: clinical testing. Allele origin: germline. Observed: 53 variant alleles.
Comment: p.Asp26Asn in exon 1 of PKP2: This variant is not expected to have clinical sign ificance because it has been identified in 2.3% (349/15114) of European chromoso mes by the Exome Aggregation Consortium (ExAC; d bSNP rs143004808).

Eurofins Ntd Llc (ga)
Classification: Likely benign. Last evaluated: 2014-01-09. Review status: criteria provided, single submitter. Criteria: EGL Classification Definitions 2015. Collection method: clinical testing. Allele origin: germline. Observed: 2 variant alleles, 2 heterozygotes.

Biesecker Lab/Clinical Genomics Section, National Institutes of Health
Classification: Benign for Arrhythmogenic right ventricular dysplasia. Last evaluated: 2013-06-24. Review status: criteria provided, single submitter. Criteria: Ng et al. (Circ Cardiovasc Genet. 2013). Collection method: research. Allele origin: unknown. Observed: 5 variant alleles. Study: ClinSeq.
Comment: The study set was not selected for affection status in relation to any cancer. Pathogenicity categories were based on literature curation. See Pubmed ID:23861362 for details.

Medical sequencing

Stanford Center for Inherited Cardiovascular Disease, Stanford University
Classification: Benign. Last evaluated: 2011-12-08. Review status: criteria provided, single submitter. Criteria: ACMG Guidelines, 2015. Collection method: provider interpretation. Allele origin: germline.

Breakthrough Genomics
Classification: Likely benign. Review status: criteria provided, single submitter. Criteria: ACMG Guidelines, 2015. Collection method: not provided. Allele origin: germline. Inheritance: Autosomal dominant inheritance. Affected: yes.

PreventionGenetics, part of Exact Sciences
Classification: Likely benign. Review status: criteria provided, single submitter. Criteria: ACMG Guidelines, 2015. Collection method: clinical testing. Allele origin: germline.

Cohesion Phenomics
Classification: Likely benign for Cardiomyopathy. Last evaluated: 2022-09-23. Review status: no assertion criteria provided. Criteria: ACMG Guidelines, 2015. Collection method: clinical testing. Allele origin: germline. Affected: yes. Not counted in ClinVar's aggregate classification.

CSER _CC_NCGL, University of Washington
Classification: Likely benign for Arrhythmogenic right ventricular dysplasia. Last evaluated: 2014-06-01. Review status: no assertion criteria provided. Collection method: research. Allele origin: germline. Inheritance: Autosomal dominant inheritance. Study: ESP 6500 variant annotation. Not counted in ClinVar's aggregate classification.
Comment: Variants classified for the Actionable exomic incidental findings in 6503 participants: challenges of variant classification manuscript

Clinical Genetics, Academic Medical Center
Classification: Benign. Review status: no assertion criteria provided. Collection method: clinical testing. Allele origin: germline. Affected: yes. Study: VKGL Data-share Consensus. Not counted in ClinVar's aggregate classification.

Diagnostic Laboratory, Department of Genetics, University Medical Center Groningen
Classification: Benign for Arrhythmogenic right ventricular dysplasia 9. Review status: no assertion criteria provided. Collection method: clinical testing. Allele origin: germline. Affected: yes. Study: VKGL Data-share Consensus. Not counted in ClinVar's aggregate classification.

Joint Genome Diagnostic Labs from Nijmegen and Maastricht, Radboudumc and MUMC+
Classification: Benign. Review status: no assertion criteria provided. Collection method: clinical testing. Allele origin: germline. Affected: yes. Study: VKGL Data-share Consensus. Not counted in ClinVar's aggregate classification.

Literature cited by the submitters: PubMed 24055113 (cited by Ambry Genetics); PubMed 24352520 (cited by Ambry Genetics); PubMed 16567567 (cited by Laboratory for Molecular Medicine, Mass General Brigham Personalized Medicine); PubMed 17556197 (cited by Laboratory for Molecular Medicine, Mass General Brigham Personalized Medicine); PubMed 19955750 (cited by Laboratory for Molecular Medicine, Mass General Brigham Personalized Medicine).